The following is an entry in ClinVar:

ClinVar aggregate classification (germline): Uncertain significance (1 of 4 stars; one submission).

Conditions:
Cerebellar atrophy, visual impairment, and psychomotor retardation;. Also called: Cerebellar atrophy, visual impairment, and psychomotor retardation. Identifiers: MedGen C4225172, MONDO:0014811, OMIM 616875.

Submission:

Juno Genomics, Hangzhou Juno Genomics, Inc
Classification: Uncertain significance for Cerebellar atrophy, visual impairment, and psychomotor retardation;. Review status: criteria provided, single submitter. Criteria: ACMG Guidelines, 2015. Collection method: clinical testing. Allele origin: germline.
Comment: Null variant in a gene where loss of function (LOF) is a known mechanism of disease.;Absent from controls (or at extremely low frequency if recessive) in Genome Aggregation Database.

NM_015047.3(EMC1):c.2202+2T>C

Genes: EMC1 (ER membrane protein complex subunit 1; minus strand), EMC1-AS1 (EMC1 antisense RNA 1; plus strand). Cytogenetic location: 1p36.13.
Variant type: single nucleotide variant.
Coding change: c.2202+2T>C on transcript NM_015047.3 (MANE Select); the canonical splice donor site of the intron after coding-DNA position 2202, T replaced by C.
Molecular consequence: splice donor variant.
Genome position (GRCh38, 1-based): chr1:19,227,311, A>G on the plus strand (T>C on the coding strand, the complement: EMC1 is on the minus strand). VCF-style: chr1-19227311-A-G. GRCh37 (hg19) VCF-style: chr1-19553805-A-G.
Other names: c.2136+2T>C (NM_001271429.2); c.2199+2T>C (NM_001271427.2, NM_001271428.2); c.2208+2T>C (NM_001375821.1); c.2211+2T>C (NM_001375820.1).
Identifiers: ClinVar variation 5005436 (VCV005005436.2).